The following is an entry in ClinVar:

ClinVar aggregate classification (germline): Uncertain significance. Review status: criteria provided, multiple submitters, no conflicts (2 of 4 stars). 2 submissions from 2 submitters: Uncertain significance (2). Last evaluated 2023-05-12.

Conditions:
Hypothyroidism, congenital, nongoitrous, 2 (CHNG2). Also called: Hypothyroidism, congenital, due to thyroid dysgenesis or hypoplasia. Identifiers: Orphanet 95712, MedGen C1869118, MONDO:0024264, OMIM 218700.

Allele frequency attached by ClinVar (database versions not stated): gnomAD exomes below 0.00001 and 0.00002; TOPMed 0.00001; ExAC 0.00002.
gnomAD v4.1: 5 of 1,610,528 alleles (0.00031%); highest among the groups gnomAD compares: East Asian, 0.011%; no homozygotes.

Submissions (2):

Revvity Omics, Revvity
Classification: Uncertain significance for Hypothyroidism, congenital, nongoitrous, 2. Last evaluated: 2023-05-12. Review status: criteria provided, single submitter. Criteria: ACMG Guidelines, 2015. Collection method: clinical testing. Allele origin: germline.

Labcorp Genetics (formerly Invitae), Labcorp
Classification: Uncertain significance. Last evaluated: 2021-08-09. Review status: criteria provided, single submitter. Criteria: Invitae Variant Classification Sherloc (09022015). Collection method: clinical testing. Allele origin: germline.
Comment: This sequence change replaces proline with alanine at codon 252 of the PAX8 protein (p.Pro252Ala). The proline residue is highly conserved and there is a small physicochemical difference between proline and alanine. This variant is present in population databases (rs768835143, ExAC 0.03%). This variant has not been reported in the literature in individuals affected with PAX8-related conditions. Algorithms developed to predict the effect of missense changes on protein structure and function (SIFT, PolyPhen-2, Align-GVGD) all suggest that this variant is likely to be tolerated. In summary, the available evidence is currently insufficient to determine the role of this variant in disease. Therefore, it has been classified as a Variant of Uncertain Significance.

NM_003466.4(PAX8):c.754C>G (p.Pro252Ala)

Genes: PAX8 (paired box 8; minus strand), PAX8-AS1 (PAX8 antisense RNA 1; plus strand), LOC126806316 (P300/CBP strongly-dependent group 1 enhancer GRCh37_chr2:113998497-113999696; plus strand). Cytogenetic location: 2q14.1.
Variant type: single nucleotide variant.
Coding change: c.754C>G on transcript NM_003466.4 (MANE Select); coding-DNA position 754, C replaced by G.
Protein change: p.Pro252Ala; replaces proline 252 with alanine.
Molecular consequence: missense variant.
Genome position (GRCh38, 1-based): chr2:113,241,574, G>C on the plus strand (C>G on the coding strand, the complement: PAX8 is on the minus strand). VCF-style: chr2-113241574-G-C. GRCh37 (hg19) VCF-style: chr2-113999151-G-C.
Other names: c.754C>G, p.Pro252Ala (NM_013953.4, NM_013992.4, NM_013952.4); short protein forms P252A.
Identifiers: ClinVar variation 1404869 (VCV001404869.8), dbSNP rs768835143, ClinGen allele CA1840106.